The following is an entry in ClinVar:

NM_033100.4(CDHR1):c.957T>G (p.His319Gln)

Gene: CDHR1 (cadherin related family member 1; plus strand). Cytogenetic location: 10q23.1.
Variant type: single nucleotide variant.
Coding change: c.957T>G on transcript NM_033100.4 (MANE Select); coding-DNA position 957, T replaced by G.
Protein change: p.His319Gln; replaces histidine 319 with glutamine.
Molecular consequence: missense variant.
Genome position (GRCh38, 1-based): chr10:84,205,921, T>G. VCF-style: chr10-84205921-T-G. GRCh37 (hg19) VCF-style: chr10-85965677-T-G.
Other names: c.957T>G, p.His319Gln (NM_001171971.3); short protein forms H319Q.
Identifiers: ClinVar variation 971908 (VCV000971908.10), dbSNP rs748565690, ClinGen allele CA377374020.

ClinVar aggregate classification (germline): Uncertain significance. Review status: criteria provided, multiple submitters, no conflicts (2 of 4 stars). 2 submissions from 2 submitters: Uncertain significance (2). Last evaluated 2024-03-13.

Allele frequency attached by ClinVar (database versions not stated): TOPMed 0.00001.
gnomAD v4.1: 15 of 1,612,866 alleles (0.00093%); highest among the groups gnomAD compares: Non-Finnish European, 0.0012%; no homozygotes.

Submissions (2):

Blueprint Genetics
Classification: Uncertain significance. Last evaluated: 2024-03-13. Review status: criteria provided, single submitter. Criteria: ACMG Guidelines, 2015. Collection method: clinical testing. Allele origin: germline.

Labcorp Genetics (formerly Invitae), Labcorp
Classification: Uncertain significance. Last evaluated: 2022-11-28. Review status: criteria provided, single submitter. Criteria: Invitae Variant Classification Sherloc (09022015). Collection method: clinical testing. Allele origin: germline.
Comment: This sequence change replaces histidine, which is basic and polar, with glutamine, which is neutral and polar, at codon 319 of the CDHR1 protein (p.His319Gln). This variant is present in population databases (no rsID available, gnomAD 0.0009%). This variant has not been reported in the literature in individuals affected with CDHR1-related conditions. ClinVar contains an entry for this variant (Variation ID: 971908). Advanced modeling of protein sequence and biophysical properties (such as structural, functional, and spatial information, amino acid conservation, physicochemical variation, residue mobility, and thermodynamic stability) performed at Invitae indicates that this missense variant is not expected to disrupt CDHR1 protein function. Algorithms developed to predict the effect of sequence changes on RNA splicing suggest that this variant may create or strengthen a splice site. In summary, the available evidence is currently insufficient to determine the role of this variant in disease. Therefore, it has been classified as a Variant of Uncertain Significance.